The following is an entry in ClinVar:

ClinVar aggregate classification (germline): Uncertain significance. Review status: criteria provided, multiple submitters, no conflicts (2 of 4 stars). 2 submissions from 2 submitters: Uncertain significance (2). Last evaluated 2024-12-02.

Conditions:
Inborn genetic diseases. Identifiers: MedGen C0950123, MeSH D030342.

Allele frequency attached by ClinVar (database versions not stated): gnomAD 0.00003; ESP Exome Variant Server 0.00016; ExAC 0.00008.
gnomAD v4.1: 46 of 1,613,594 alleles (0.0029%); highest among the groups gnomAD compares: Admixed American, 0.0033%; 1 homozygote.

Submissions (2):

Ambry Genetics
Classification: Uncertain significance for Inborn genetic diseases. Last evaluated: 2024-12-02. Review status: criteria provided, single submitter. Criteria: Ambry Variant Classification Scheme 2023. Collection method: clinical testing. Allele origin: germline.

Labcorp Genetics (formerly Invitae), Labcorp
Classification: Uncertain significance. Last evaluated: 2021-08-26. Review status: criteria provided, single submitter. Criteria: Invitae Variant Classification Sherloc (09022015). Collection method: clinical testing. Allele origin: germline.
Comment: This sequence change replaces arginine with cysteine at codon 46 of the CHMP1A protein (p.Arg46Cys). The arginine residue is highly conserved and there is a large physicochemical difference between arginine and cysteine. This variant is present in population databases (rs201409761, ExAC 0.03%). This variant has not been reported in the literature in individuals affected with CHMP1A-related conditions. Algorithms developed to predict the effect of missense changes on protein structure and function (SIFT, PolyPhen-2, Align-GVGD) all suggest that this variant is likely to be disruptive. In summary, the available evidence is currently insufficient to determine the role of this variant in disease. Therefore, it has been classified as a Variant of Uncertain Significance.

NM_002768.5(CHMP1A):c.136C>T (p.Arg46Cys)

Gene: CHMP1A (charged multivesicular body protein 1A; minus strand). Cytogenetic location: 16q24.3.
Variant type: single nucleotide variant.
Coding change: c.136C>T on transcript NM_002768.5 (MANE Select); coding-DNA position 136, C replaced by T.
Protein change: p.Arg46Cys; replaces arginine 46 with cysteine.
Molecular consequence: missense variant. On other transcripts: non-coding transcript variant (1).
Genome position (GRCh38, 1-based): chr16:89,649,467, G>A on the plus strand (C>T on the coding strand, the complement: CHMP1A is on the minus strand). VCF-style: chr16-89649467-G-A. GRCh37 (hg19) VCF-style: chr16-89715875-G-A.
Other names: c.116C>T, p.Pro39Leu (NM_001083314.4); c.116C>T (NM_001083314.1); short protein forms P39L, R46C.
Identifiers: ClinVar variation 1359297 (VCV001359297.6), dbSNP rs201409761, ClinGen allele CA8247130.